The following is an entry in ClinVar:

NM_001370466.1(NOD2):c.654G>A (p.Thr218=)

Gene: NOD2 (nucleotide binding oligomerization domain containing 2; plus strand). Cytogenetic location: 16q12.1.
Variant type: single nucleotide variant.
Coding change: c.654G>A on transcript NM_001370466.1 (MANE Select); coding-DNA position 654, G replaced by A.
Protein change: p.Thr218=; no amino-acid change (threonine 218 retained).
Molecular consequence: synonymous variant. On other transcripts: non-coding transcript variant (1).
Genome position (GRCh38, 1-based): chr16:50,710,646, G>A. VCF-style: chr16-50710646-G-A. GRCh37 (hg19) VCF-style: chr16-50744557-G-A.
Other names: c.654G>A, p.Thr218= (NM_001293557.2); c.735G>A, p.Thr245= (NM_022162.3).
Identifiers: ClinVar variation 3031416 (VCV003031416.3), dbSNP rs773749264, ClinGen allele CA8051385.
Genomic context (GRCh38, chr16:50,710,646, plus strand): 5'-GCTGAGGACCACGGTGTCTGCTCAGTCTCGCTTCCTCAGTACCTATGATGGAGCAGAGAC[G>A]CTCTGCCTGGAGGACATATACACAGAGAATGTCCTGGAGGTCTGGGCAGATGTGGGCATG-3'
Protein context (NP_001357395.1, residues 208-228): RFLSTYDGAE[Thr218=]LCLEDIYTEN

ClinVar aggregate classification (germline): Likely benign. Review status: criteria provided, single submitter (1 of 4 stars). 2 submissions from 2 submitters: Likely benign (1). 1 of the submissions does not count toward it. Last evaluated 2018-09-21.

Conditions:
NOD2-related disorder. Also called: NOD2-related condition.

Allele frequency attached by ClinVar (database versions not stated): gnomAD 0.00001; TOPMed 0.00001.
gnomAD v4.1: 29 of 1,614,094 alleles (0.0018%); highest among the groups gnomAD compares: South Asian, 0.02%; no homozygotes.

Submissions (2):

Blueprint Genetics
Classification: Likely benign. Last evaluated: 2018-09-21. Review status: criteria provided, single submitter. Criteria: ACMG Guidelines, 2015. Collection method: clinical testing. Allele origin: germline.

PreventionGenetics, part of Exact Sciences
Classification: Likely benign for NOD2-related condition. Last evaluated: 2021-04-16. Review status: no assertion criteria provided. Collection method: clinical testing. Allele origin: germline. Not counted in ClinVar's aggregate classification.
Comment: This variant is classified as likely benign based on ACMG/AMP sequence variant interpretation guidelines (Richards et al. 2015 PMID: 25741868, with internal and published modifications).